The following is an entry in ClinVar:

ClinVar aggregate classification (germline): Conflicting classifications of pathogenicity. Review status: criteria provided, conflicting classifications (1 of 4 stars). 2 submissions from 2 submitters: Uncertain significance (1); Likely benign (1). Last evaluated 2025-10-31.

Conditions:
Hereditary spastic paraplegia 7 (SPG7). Also called: Spastic paraplegia 7; Hereditary spastic paraplegia Paraplegin type; SPASTIC PARAPLEGIA 7, AUTOSOMAL RECESSIVE, WITH OR WITHOUT CEREBELLAR ATAXIA; SPG7-related neurologic disorder; Autosomal recessive spastic paraplegia type 7. Identifiers: Orphanet 99013, MedGen C1846564, MONDO:0011803, OMIM 607259.

gnomAD v4.1: 25 of 1,613,850 alleles (0.0015%); highest among the groups gnomAD compares: African/African-American, 0.004%; no homozygotes.

Submissions (2):

Labcorp Genetics (formerly Invitae), Labcorp
Classification: Likely benign for Hereditary spastic paraplegia 7. Last evaluated: 2025-10-31. Review status: criteria provided, single submitter. Criteria: Invitae Variant Classification Sherloc (09022015). Collection method: clinical testing. Allele origin: germline.

Victorian Clinical Genetics Services, Murdoch Childrens Research Institute
Classification: Uncertain significance for Hereditary spastic paraplegia 7. Last evaluated: 2021-05-06. Review status: criteria provided, single submitter. Criteria: ACMG Guidelines, 2015. Collection method: clinical testing. Allele origin: germline. Inheritance: Autosomal dominant inheritance. Affected: yes.
Comment: Based on the classification scheme VCGS_Germline_v1.3.4, this variant is classified as VUS-3C. Following criteria are met: 0102 - Loss of function is a known mechanism of disease in this gene and is associated with Spastic paraplegia 7 (MIM#607259) and optical atrophy (PMID: 32548275). (I) 0108 - This gene is associated with both recessive and dominant disease. Majority of the variants reported for optical atrophy are missense while null variants are mostly associated with spastic paraplegia 7(MIM#607259) (PMID: 32548275). (I) 0212 - Non-canonical splice site variant without proven consequence on splicing (no functional evidence available). (SP) 0251 - This variant is heterozygous. (I) 0304 - Variant is present in gnomAD (v2) <0.01 (5 heterozygotes, 0 homozygotes). (SP) 0506 - Abnormal splicing is not predicted and nucleotide is poorly conserved. (SB) 0705 - No comparable splice site variants have previous evidence for pathogenicity. (I) 0807 - This variant has no previous evidence of pathogenicity. (I) 1208 - Inheritance information for this variant is not currently available in this individual. (I) Legend: (SP) - Supporting pathogenic, (I) - Information, (SB) - Supporting benign

Literature cited by the submitters: PubMed 32548275 (cited by Victorian Clinical Genetics Services, Murdoch Childrens Research Institute).

NM_003119.4(SPG7):c.988-7C>T

Gene: SPG7 (SPG7 matrix AAA peptidase subunit, paraplegin; plus strand). Cytogenetic location: 16q24.3.
Variant type: single nucleotide variant.
Coding change: c.988-7C>T on transcript NM_003119.4 (MANE Select); 7 bases into the intron before coding-DNA position 988, C replaced by T.
Molecular consequence: intron variant.
Genome position (GRCh38, 1-based): chr16:89,531,897, C>T. VCF-style: chr16-89531897-C-T. GRCh37 (hg19) VCF-style: chr16-89598305-C-T.
Other names: c.988-7C>T (NM_001363850.1, NM_199367.3).
Identifiers: ClinVar variation 3377493 (VCV003377493.2).